The following is an entry in ClinVar:

ClinVar aggregate classification (germline): Likely benign (1 of 4 stars; one submission).

Conditions:
RAD51-related disorder. Also called: RAD51-related condition; RAD51-related disorders.

Submission:

PreventionGenetics, part of Exact Sciences
Classification: Likely benign for RAD51-related condition. Last evaluated: 2026-04-23. Review status: criteria provided, single submitter. Criteria: ACMG Guidelines, 2015. Collection method: clinical testing. Allele origin: germline.
Comment: This variant is classified as likely benign based on ACMG/AMP sequence variant interpretation guidelines (Richards et al. 2015 PMID: 25741868, with internal and published modifications).

NM_002875.5(RAD51):c.225+589_225+601del

Gene: RAD51 (RAD51 recombinase; plus strand). Cytogenetic location: 15q15.1.
Variant type: Deletion.
Coding change: c.225+589_225+601del on transcript NM_002875.5 (MANE Select); bases 589 to 601 of the intron after coding-DNA position 225, 13 bases deleted (TTTTTTTTTTTTT).
Molecular consequence: intron variant.
Genome position (GRCh38, 1-based): chr15:40,701,790-40,701,802, TTTTTTTTTTTTT deleted; deleting any 13 consecutive bases within chr15:40,701,777-40,701,802 gives the same sequence; the c. name uses the placement nearest the transcript's 3' end. VCF-style (leftmost placement, unchanged base first): chr15-40701776-ATTTTTTTTTTTTT-A. GRCh37 (hg19) VCF-style: chr15-40993974-ATTTTTTTTTTTTT-A.
Other names: c.226-16_226-4del (NM_133487.4, NM_001164269.2); c.225+589_225+601del (NM_001164270.2).
Identifiers: ClinVar variation 4979442 (VCV004979442.1).
Genomic context (GRCh38, chr15:40,701,776, plus strand): 5'-TTTATATAGTTACACAGTTTTATTGCCTTTACCCTTGAAGTTTTATGTAGTATAAAGCAG[ATTTTTTTTTTTTT>A]TTTTTTTTTTTTTGAGACGGAGTCTCGCTCTGTTGCCAGGCTGGAGTGCAATAGCGTGAT-3'